The following is an entry in ClinVar:

NM_001020658.2(PUM1):c.1560G>A (p.Gln520=)

Gene: PUM1 (pumilio RNA binding family member 1; minus strand). Cytogenetic location: 1p35.2.
Variant type: single nucleotide variant.
Coding change: c.1560G>A on transcript NM_001020658.2 (MANE Select); coding-DNA position 1560, G replaced by A.
Protein change: p.Gln520=; no amino-acid change (glutamine 520 retained).
Molecular consequence: synonymous variant.
Genome position (GRCh38, 1-based): chr1:30,968,439, C>T on the plus strand (G>A on the coding strand, the complement: PUM1 is on the minus strand). VCF-style: chr1-30968439-C-T. GRCh37 (hg19) VCF-style: chr1-31441286-C-T.
Other names: c.1560G>A, p.Gln520= (NM_014676.3).
Identifiers: ClinVar variation 3050789 (VCV003050789.3), dbSNP rs139411220, ClinGen allele CA729179.
Genomic context (GRCh38, chr1:30,968,439, plus strand): 5'-TCCAAATGCAAGGGCAGAATTCACTGCTGCAGCTGCCACAAGGGGATCCGTTTGCTGTCC[C>T]TGCTGGTTCTGGTTTGGGGTCAAAGGACGTTGGCTGGCTCCTCCACGGAGAACCTGGGAA-3'
Protein context (NP_001018494.1, residues 510-530): QRPLTPNQNQ[Gln520=]GQQTDPLVAA

ClinVar aggregate classification (germline): Likely benign. Review status: criteria provided, single submitter (1 of 4 stars). 2 submissions from 2 submitters: Likely benign (1). 1 of the submissions does not count toward it. Last evaluated 2024-10-07.

Conditions:
PUM1-related disorder. Also called: PUM1-related condition; PUM1-related disorders.

Allele frequency attached by ClinVar (database versions not stated): gnomAD exomes 0.00013; ExAC 0.00045; 1000 Genomes Project 0.00120; 1000 Genomes Project 30x 0.00141; TOPMed 0.00148; gnomAD 0.00153; ESP Exome Variant Server 0.00215.
gnomAD v4.1: 437 of 1,598,580 alleles (0.027%); highest among the groups gnomAD compares: African/African-American, 0.51%; 2 homozygotes.

Submissions (2):

Blueprint Genetics
Classification: Likely benign. Last evaluated: 2024-10-07. Review status: criteria provided, single submitter. Criteria: ACMG Guidelines, 2015. Collection method: clinical testing. Allele origin: germline.

PreventionGenetics, part of Exact Sciences
Classification: Likely benign for PUM1-related condition. Last evaluated: 2021-06-18. Review status: no assertion criteria provided. Collection method: clinical testing. Allele origin: germline. Not counted in ClinVar's aggregate classification.
Comment: This variant is classified as likely benign based on ACMG/AMP sequence variant interpretation guidelines (Richards et al. 2015 PMID: 25741868, with internal and published modifications).